The following is an entry in ClinVar:

ClinVar aggregate classification (germline): Uncertain significance (1 of 4 stars; one submission).

Conditions:
Lethal congenital glycogen storage disease of heart. Also called: PHOSPHORYLASE KINASE DEFICIENCY OF HEART; GLYCOGEN STORAGE DISEASE OF HEART. Identifiers: Orphanet 439854, MedGen C1849813, MONDO:0009867, OMIM 261740.

Submission:

Labcorp Genetics (formerly Invitae), Labcorp
Classification: Uncertain significance for Lethal congenital glycogen storage disease of heart. Last evaluated: 2021-08-26. Review status: criteria provided, single submitter. Criteria: Invitae Variant Classification Sherloc (09022015). Collection method: clinical testing. Allele origin: germline.
Comment: This variant has not been reported in the literature in individuals affected with PRKAG2-related conditions. This variant is not present in population databases (ExAC no frequency). This sequence change replaces aspartic acid with glutamic acid at codon 464 of the PRKAG2 protein (p.Asp464Glu). The aspartic acid residue is highly conserved and there is a small physicochemical difference between aspartic acid and glutamic acid. In summary, the available evidence is currently insufficient to determine the role of this variant in disease. Therefore, it has been classified as a Variant of Uncertain Significance. Algorithms developed to predict the effect of sequence changes on RNA splicing suggest that this variant may create or strengthen a splice site. Algorithms developed to predict the effect of missense changes on protein structure and function are either unavailable or do not agree on the potential impact of this missense change (SIFT: "Deleterious"; PolyPhen-2: "Benign"; Align-GVGD: "Class C0").

NM_016203.4(PRKAG2):c.1392T>A (p.Asp464Glu)

Gene: PRKAG2 (protein kinase AMP-activated non-catalytic subunit gamma 2; minus strand). Cytogenetic location: 7q36.1.
Variant type: single nucleotide variant.
Coding change: c.1392T>A on transcript NM_016203.4 (MANE Select); coding-DNA position 1392, T replaced by A.
Protein change: p.Asp464Glu; replaces aspartic acid 464 with glutamic acid.
Molecular consequence: missense variant.
Genome position (GRCh38, 1-based): chr7:151,565,727, A>T on the plus strand (T>A on the coding strand, the complement: PRKAG2 is on the minus strand). VCF-style: chr7-151565727-A-T. GRCh37 (hg19) VCF-style: chr7-151262813-A-T.
Other names: c.1260T>A, p.Asp420Glu (NM_001040633.2); c.1017T>A, p.Asp339Glu (NM_001304527.2); c.669T>A, p.Asp223Glu (NM_001304531.2, NM_024429.2); c.1020T>A, p.Asp340Glu (NM_001363698.2); short protein forms D420E, D464E, D340E, D223E, D339E.
Identifiers: ClinVar variation 1377664 (VCV001377664.6), dbSNP rs2150995495, ClinGen allele CA370070878.
Genomic context (GRCh38, chr7:151,565,727, plus strand): 5'-TTGCACCCTGAGATAAACAATTATTTCTGCCTGTCAGCGCCAAACACACAAACCTGACTC[A>T]TCCACAACAGGCAGAGCTGATATTCGTCTTTCCACAAATATGTTCAAGGCTTTGATGATG-3'
Protein context (NP_057287.2, residues 454-474): ERRISALPVV[Asp464Glu]ESGKVVDIYS